The following is an entry in ClinVar:

NM_017780.4(CHD7):c.3406C>T (p.Pro1136Ser)

Gene: CHD7 (chromodomain helicase DNA binding protein 7; plus strand). Cytogenetic location: 8q12.2.
Variant type: single nucleotide variant.
Coding change: c.3406C>T on transcript NM_017780.4 (MANE Select); coding-DNA position 3406, C replaced by T.
Protein change: p.Pro1136Ser; replaces proline 1136 with serine.
Molecular consequence: missense variant. On other transcripts: intron variant (1).
Genome position (GRCh38, 1-based): chr8:60,828,690, C>T. VCF-style: chr8-60828690-C-T. GRCh37 (hg19) VCF-style: chr8-61741249-C-T.
Other names: c.1717-33539C>T (NM_001316690.1); short protein forms P1136S.
Identifiers: ClinVar variation 3906493 (VCV003906493.1).

ClinVar aggregate classification (germline): Uncertain significance (1 of 4 stars; one submission).

Submission:

GeneDx
Classification: Uncertain significance. Last evaluated: 2024-12-19. Review status: criteria provided, single submitter. Criteria: GeneDx Variant Classification Process June 2021. Collection method: clinical testing. Allele origin: germline. Affected: yes.
Comment: Not observed at significant frequency in large population cohorts (gnomAD); In silico analysis supports that this missense variant has a deleterious effect on protein structure/function; Has not been previously published as pathogenic or benign to our knowledge